The following is an entry in ClinVar:

ClinVar aggregate classification (germline): Likely benign (1 of 4 stars; one submission).

gnomAD v4.1: 109 of 1,598,638 alleles (0.0068%); highest among the groups gnomAD compares: South Asian, 0.12%; 1 homozygote.

Submission:

CeGaT Center for Human Genetics Tuebingen
Classification: Likely benign. Last evaluated: 2024-12-01. Review status: criteria provided, single submitter. Criteria: CeGaT Center For Human Genetics Tuebingen Variant Classification Criteria Version 2. Collection method: clinical testing. Allele origin: germline. Affected: yes. Observed: 1 variant allele.
Comment: CLIP2: BP4

NM_003388.5(CLIP2):c.2881-8A>T

Gene: CLIP2 (CAP-Gly domain containing linker protein 2; plus strand). Cytogenetic location: 7q11.23.
Variant type: single nucleotide variant.
Coding change: c.2881-8A>T on transcript NM_003388.5 (MANE Select); 8 bases into the intron before coding-DNA position 2881, A replaced by T.
Molecular consequence: intron variant.
Genome position (GRCh38, 1-based): chr7:74,400,362, A>T. VCF-style: chr7-74400362-A-T. GRCh37 (hg19) VCF-style: chr7-73814692-A-T.
Other names: c.2776-8A>T (NM_032421.3).
Identifiers: ClinVar variation 3771448 (VCV003771448.13).